The following is an entry in ClinVar:

ClinVar aggregate classification (germline): Uncertain significance (1 of 4 stars; one submission).

Submission:

GeneDx
Classification: Uncertain significance. Last evaluated: 2025-04-30. Review status: criteria provided, single submitter. Criteria: GeneDx Variant Classification Process June 2021. Collection method: clinical testing. Allele origin: germline. Affected: yes.
Comment: Not observed at significant frequency in large population cohorts (gnomAD); In silico analysis indicates that this missense variant does not alter protein structure/function; Has not been previously published as pathogenic or benign to our knowledge; This variant is associated with the following publications: (PMID: 25512093, 25609763, 26100331)

NM_001376.5(DYNC1H1):c.6284G>A (p.Ser2095Asn)

Gene: DYNC1H1 (dynein cytoplasmic 1 heavy chain 1; plus strand). Cytogenetic location: 14q32.31.
Variant type: single nucleotide variant.
Coding change: c.6284G>A on transcript NM_001376.5 (MANE Select); coding-DNA position 6284, G replaced by A.
Protein change: p.Ser2095Asn; replaces serine 2095 with asparagine.
Molecular consequence: missense variant.
Genome position (GRCh38, 1-based): chr14:102,010,338, G>A. VCF-style: chr14-102010338-G-A. GRCh37 (hg19) VCF-style: chr14-102476675-G-A.
Other names: short protein forms S2095N.
Identifiers: ClinVar variation 4527920 (VCV004527920.1).